The following is an entry in ClinVar:

NM_001308093.3(GATA4):c.761C>T (p.Pro254Leu)

Gene: GATA4 (GATA binding protein 4). Cytogenetic location: 8p23.1.
Variant type: single nucleotide variant.
Coding change: c.761C>T on transcript NM_001308093.3 (MANE Select); coding-DNA position 761, C replaced by T.
Protein change: p.Pro254Leu; replaces proline 254 with leucine.
Molecular consequence: missense variant.
Genome position (GRCh38, 1-based): chr8:11,749,060, C>T. VCF-style: chr8-11749060-C-T. GRCh37 (hg19) VCF-style: chr8-11606569-C-T.
Other names: c.140C>T, p.Pro47Leu (NM_001308094.2, NM_001374273.1, NM_001374274.1); c.758C>T, p.Pro253Leu (NM_002052.5); short protein forms P47L, P253L, P254L.
Identifiers: ClinVar variation 862090 (VCV000862090.10), dbSNP rs771792843, ClinGen allele CA4630670.

ClinVar aggregate classification (germline): Uncertain significance. Review status: criteria provided, multiple submitters, no conflicts (2 of 4 stars). 2 submissions from 2 submitters: Uncertain significance (2). Last evaluated 2025-03-25.

Conditions:
Atrioventricular septal defect 4 (AVSD4). Identifiers: MedGen C3280781, MONDO:0013747, OMIM 614430.

Allele frequency attached by ClinVar (database versions not stated): ExAC 0.00001; gnomAD exomes below 0.00001.
gnomAD v4.1: 5 of 1,614,230 alleles (0.00031%); highest among the groups gnomAD compares: Non-Finnish European, 0.00042%; no homozygotes.

Submissions (2):

GeneDx
Classification: Uncertain significance. Last evaluated: 2025-03-25. Review status: criteria provided, single submitter. Criteria: GeneDx Variant Classification Process June 2021. Collection method: clinical testing. Allele origin: germline. Affected: yes.
Comment: Not observed at significant frequency in large population cohorts (gnomAD); In silico analysis supports that this missense variant has a deleterious effect on protein structure/function; Has not been previously published as pathogenic or benign to our knowledge

Labcorp Genetics (formerly Invitae), Labcorp
Classification: Uncertain significance for Atrioventricular septal defect 4. Last evaluated: 2024-07-03. Review status: criteria provided, single submitter. Criteria: Invitae Variant Classification Sherloc (09022015). Collection method: clinical testing. Allele origin: germline.
Comment: This sequence change replaces proline, which is neutral and non-polar, with leucine, which is neutral and non-polar, at codon 253 of the GATA4 protein (p.Pro253Leu). This variant is present in population databases (rs771792843, gnomAD 0.0009%). This variant has not been reported in the literature in individuals affected with GATA4-related conditions. ClinVar contains an entry for this variant (Variation ID: 862090). Advanced modeling of protein sequence and biophysical properties (such as structural, functional, and spatial information, amino acid conservation, physicochemical variation, residue mobility, and thermodynamic stability) performed at Invitae indicates that this missense variant is expected to disrupt GATA4 protein function with a positive predictive value of 80%. In summary, the available evidence is currently insufficient to determine the role of this variant in disease. Therefore, it has been classified as a Variant of Uncertain Significance.